The following is an entry in ClinVar:

NM_024642.5(GALNT12):c.685T>A (p.Cys229Ser)

Gene: GALNT12 (polypeptide N-acetylgalactosaminyltransferase 12; plus strand). Cytogenetic location: 9q22.33.
Variant type: single nucleotide variant.
Coding change: c.685T>A on transcript NM_024642.5 (MANE Select); coding-DNA position 685, T replaced by A.
Protein change: p.Cys229Ser; replaces cysteine 229 with serine.
Molecular consequence: missense variant.
Genome position (GRCh38, 1-based): chr9:98,826,895, T>A. VCF-style: chr9-98826895-T-A. GRCh37 (hg19) VCF-style: chr9-101589177-T-A.
Other names: short protein forms C229S.
Identifiers: ClinVar variation 854081 (VCV000854081.14), dbSNP rs1289967555, ClinGen allele CA374217708.
Genomic context (GRCh38, chr9:98,826,895, plus strand): 5'-GTGCGAGCCCGGCTGCTGGGGGCGTCTGCGGCGAGGGGCGATGTTCTGACCTTCCTGGAC[T>A]GTCACTGTGAGTGCCACGAAGGGTGGCTGGAGCCGCTGCTGCAGAGGTACGTGAGCCGCC-3'
Protein context (NP_078918.3, residues 219-239): ARGDVLTFLD[Cys229Ser]HCECHEGWLE

ClinVar aggregate classification (germline): Uncertain significance. Review status: criteria provided, multiple submitters, no conflicts (2 of 4 stars). 3 submissions from 3 submitters: Uncertain significance (3). Last evaluated 2024-11-17.

Conditions:
Colorectal cancer, susceptibility to, 1. Also called: COLORECTAL ADENOMA AND CANCER, SUSCEPTIBILITY TO; COLORECTAL CANCER, SUSCEPTIBILITY TO, ON CHROMOSOME 9. Identifiers: MedGen C1837315, MONDO:0012132, OMIM 608812.

Allele frequency attached by ClinVar (database versions not stated): gnomAD 0.00001; gnomAD exomes 0.00001; TOPMed 0.00001.
gnomAD v4.1: 9 of 1,585,010 alleles (0.00057%); highest among the groups gnomAD compares: Non-Finnish European, 0.00077%; no homozygotes.

Submissions (3):

Ambry Genetics
Classification: Uncertain significance. Last evaluated: 2024-11-17. Review status: criteria provided, single submitter. Criteria: Ambry Variant Classification Scheme 2023. Collection method: clinical testing. Allele origin: germline.
Comment: The p.C229S variant (also known as c.685T>A), located in coding exon 3 of the GALNT12 gene, results from a T to A substitution at nucleotide position 685. The cysteine at codon 229 is replaced by serine, an amino acid with dissimilar properties. This amino acid position is highly conserved in available vertebrate species. In addition, the in silico prediction for this alteration is inconclusive. The evidence for this gene-disease relationship is limited; therefore, the clinical significance of this alteration is unclear.

Baylor Genetics
Classification: Uncertain significance for Colorectal cancer, susceptibility to, 1. Last evaluated: 2023-10-17. Review status: criteria provided, single submitter. Criteria: ACMG Guidelines, 2015. Collection method: clinical testing. Allele origin: unknown.

Labcorp Genetics (formerly Invitae), Labcorp
Classification: Uncertain significance. Last evaluated: 2022-11-02. Review status: criteria provided, single submitter. Criteria: Invitae Variant Classification Sherloc (09022015). Collection method: clinical testing. Allele origin: germline.
Comment: This variant is not present in population databases (gnomAD no frequency). This sequence change replaces cysteine, which is neutral and slightly polar, with serine, which is neutral and polar, at codon 229 of the GALNT12 protein (p.Cys229Ser). This variant has not been reported in the literature in individuals affected with GALNT12-related conditions. In summary, the available evidence is currently insufficient to determine the role of this variant in disease. Therefore, it has been classified as a Variant of Uncertain Significance. Advanced modeling of protein sequence and biophysical properties (such as structural, functional, and spatial information, amino acid conservation, physicochemical variation, residue mobility, and thermodynamic stability) performed at Invitae indicates that this missense variant is not expected to disrupt GALNT12 protein function. ClinVar contains an entry for this variant (Variation ID: 854081).